The following is an entry in ClinVar:

ClinVar aggregate classification (germline): Uncertain significance (1 of 4 stars; one submission).

Conditions:
Gorlin syndrome. Also called: Nevoid Basal Cell Carcinoma Syndrome; Basal cell nevus syndrome. Identifiers: Orphanet 377, MedGen C0004779, MONDO:0007187.

gnomAD v4.1: 1 of 1,614,104 alleles (0.000062%); highest among the groups gnomAD compares: East Asian, 0.0022%; no homozygotes.

Submission:

Labcorp Genetics (formerly Invitae), Labcorp
Classification: Uncertain significance for Gorlin syndrome. Last evaluated: 2022-12-01. Review status: criteria provided, single submitter. Criteria: Invitae Variant Classification Sherloc (09022015). Collection method: clinical testing. Allele origin: germline.
Comment: In summary, the available evidence is currently insufficient to determine the role of this variant in disease. Therefore, it has been classified as a Variant of Uncertain Significance. Advanced modeling of protein sequence and biophysical properties (such as structural, functional, and spatial information, amino acid conservation, physicochemical variation, residue mobility, and thermodynamic stability) performed at Invitae indicates that this missense variant is not expected to disrupt PTCH1 protein function. This variant has not been reported in the literature in individuals affected with PTCH1-related conditions. This variant is not present in population databases (gnomAD no frequency). This sequence change replaces valine, which is neutral and non-polar, with leucine, which is neutral and non-polar, at codon 687 of the PTCH1 protein (p.Val687Leu).

NM_000264.5(PTCH1):c.2059G>C (p.Val687Leu)

Genes: PTCH1 (patched 1; minus strand), LOC100507346 (uncharacterized LOC100507346; plus strand). Cytogenetic location: 9q22.32.
Variant type: single nucleotide variant.
Coding change: c.2059G>C on transcript NM_000264.5 (MANE Select); coding-DNA position 2059, G replaced by C.
Protein change: p.Val687Leu; replaces valine 687 with leucine.
Molecular consequence: missense variant. On other transcripts: non-coding transcript variant (2).
Genome position (GRCh38, 1-based): chr9:95,468,942, C>G on the plus strand (G>C on the coding strand, the complement: PTCH1 is on the minus strand). VCF-style: chr9-95468942-C-G. GRCh37 (hg19) VCF-style: chr9-98231224-C-G.
Other names: c.1861G>C, p.Val621Leu (NM_001083602.3); c.2056G>C, p.Val686Leu (NM_001083603.3); c.1606G>C, p.Val536Leu (NM_001083604.3, NM_001083605.3, NM_001083606.3 and 1 more transcripts); c.1903G>C, p.Val635Leu (NM_001354918.2); short protein forms V686L, V621L, V687L, V536L, V635L.
Identifiers: ClinVar variation 3002785 (VCV003002785.3), dbSNP rs374691153, ClinGen allele CA374115743.